The following is an entry in ClinVar:

NM_032608.7(MYO18B):c.4076T>C (p.Leu1359Pro)

Gene: MYO18B (myosin XVIIIB; plus strand). Cytogenetic location: 22q12.1.
Variant type: single nucleotide variant.
Coding change: c.4076T>C on transcript NM_032608.7 (MANE Select); coding-DNA position 4076, T replaced by C.
Protein change: p.Leu1359Pro; replaces leucine 1359 with proline.
Molecular consequence: missense variant.
Genome position (GRCh38, 1-based): chr22:25,874,410, T>C. VCF-style: chr22-25874410-T-C. GRCh37 (hg19) VCF-style: chr22-26270377-T-C.
Other names: c.4079T>C, p.Leu1360Pro (NM_001318245.2); c.4076T>C (NM_032608.5); short protein forms L1359P, L1360P.
Identifiers: ClinVar variation 1523193 (VCV001523193.6), dbSNP rs1601425828, ClinGen allele CA411006870.
Genomic context (GRCh38, chr22:25,874,410, plus strand): 5'-GCATCGTTCTCTTCCAGGCGGCTTGCAAGGGCTTTCTGTCTCGCCAGGAATTCAAGAAGC[T>C]GAAGGTACTGCATGCCGTTCCCATGAGGAGTCTGATCCAACGGGTCTGGAGCGGGCATAG-3'
Protein context (NP_115997.5, residues 1349-1369): GFLSRQEFKK[Leu1359Pro]KIRRLAAQCI

ClinVar aggregate classification (germline): Uncertain significance. Review status: criteria provided, multiple submitters, no conflicts (2 of 4 stars). 2 submissions from 2 submitters: Uncertain significance (2). Last evaluated 2025-03-27.

Conditions:
Inborn genetic diseases. Identifiers: MedGen C0950123, MeSH D030342.

Allele frequency attached by ClinVar (database versions not stated): gnomAD 0.00005; TOPMed 0.00002.
gnomAD v4.1: 10 of 1,613,230 alleles (0.00062%); highest among the groups gnomAD compares: Admixed American, 0.012%; 1 homozygote.

Submissions (2):

Ambry Genetics
Classification: Uncertain significance for Inborn genetic diseases. Last evaluated: 2025-03-27. Review status: criteria provided, single submitter. Criteria: Ambry Variant Classification Scheme 2023. Collection method: clinical testing. Allele origin: germline.

Labcorp Genetics (formerly Invitae), Labcorp
Classification: Uncertain significance. Last evaluated: 2022-04-24. Review status: criteria provided, single submitter. Criteria: Invitae Variant Classification Sherloc (09022015). Collection method: clinical testing. Allele origin: germline.
Comment: In summary, the available evidence is currently insufficient to determine the role of this variant in disease. Therefore, it has been classified as a Variant of Uncertain Significance. Algorithms developed to predict the effect of missense changes on protein structure and function are either unavailable or do not agree on the potential impact of this missense change (SIFT: "Not Available"; PolyPhen-2: "Probably Damaging"; Align-GVGD: "Not Available"). This variant has not been reported in the literature in individuals affected with MYO18B-related conditions. This variant is not present in population databases (gnomAD no frequency). This sequence change replaces leucine, which is neutral and non-polar, with proline, which is neutral and non-polar, at codon 1359 of the MYO18B protein (p.Leu1359Pro).